The following is an entry in ClinVar:

NM_000179.3(MSH6):c.3585T>G (p.Ser1195Arg)

Gene: MSH6 (mutS homolog 6; plus strand). Cytogenetic location: 2p16.3.
Variant type: single nucleotide variant.
Coding change: c.3585T>G on transcript NM_000179.3 (MANE Select); coding-DNA position 3585, T replaced by G.
Protein change: p.Ser1195Arg; replaces serine 1195 with arginine.
Molecular consequence: missense variant.
Genome position (GRCh38, 1-based): chr2:47,805,646, T>G. VCF-style: chr2-47805646-T-G. GRCh37 (hg19) VCF-style: chr2-48032785-T-G.
Other names: c.3195T>G, p.Ser1065Arg (NM_001281492.2); c.2679T>G, p.Ser893Arg (NM_001281493.2, NM_001281494.2); short protein forms S1195R, S893R, S1065R.
Identifiers: ClinVar variation 823958 (VCV000823958.14), dbSNP rs1572741819, ClinGen allele CA346760524.
Genomic context (GRCh38, chr2:47,805,646, plus strand): 5'-GAGTATTCATTTGTGATTTTTTTTTTTTTAAGGTGAAAGTACATTTTTTGTTGAATTAAG[T>G]GAAACTGCCAGCATACTCATGCATGCAACAGCACATTCTCTGGTGCTTGTGGATGAATTA-3'
Protein context (NP_000170.1, residues 1185-1205): SGESTFFVEL[Ser1195Arg]ETASILMHAT

ClinVar aggregate classification (germline): Uncertain significance. Review status: criteria provided, multiple submitters, no conflicts (2 of 4 stars). 3 submissions from 3 submitters: Uncertain significance (3). Last evaluated 2024-12-10.

Conditions:
Hereditary cancer-predisposing syndrome. Also called: Neoplastic Syndromes, Hereditary; Tumor predisposition; Hereditary neoplastic syndrome; Hereditary Cancer Syndrome. Identifiers: Orphanet 140162, MedGen C0027672, MeSH D009386, MONDO:0015356.
Hereditary nonpolyposis colorectal neoplasms. Identifiers: MedGen C0009405, MeSH D003123.

Allele frequency attached by ClinVar (database versions not stated): gnomAD exomes below 0.00001.
gnomAD v4.1: 4 of 1,613,712 alleles (0.00025%); highest among the groups gnomAD compares: South Asian, 0.0033%; no homozygotes.

Submissions (3):

Ambry Genetics
Classification: Uncertain significance for Hereditary cancer-predisposing syndrome. Last evaluated: 2024-12-10. Review status: criteria provided, single submitter. Criteria: Ambry Variant Classification Scheme 2023. Collection method: clinical testing. Allele origin: germline.
Comment: The p.S1195R variant (also known as c.3585T>G), located in coding exon 7 of the MSH6 gene, results from a T to G substitution at nucleotide position 3585. The serine at codon 1195 is replaced by arginine, an amino acid with dissimilar properties. This amino acid position is well conserved in available vertebrate species. In addition, this alteration is predicted to be deleterious by in silico analysis. Based on the available evidence, the clinical significance of this variant remains unclear.

Color Diagnostics, LLC DBA Color Health
Classification: Uncertain significance for Hereditary cancer-predisposing syndrome. Last evaluated: 2024-03-06. Review status: criteria provided, single submitter. Criteria: ACMG Guidelines, 2015. Collection method: clinical testing. Allele origin: germline.
Comment: This missense variant replaces serine with arginine at codon 1195 of the MSH6 protein. Computational prediction tool suggests that this variant may have deleterious impact on protein structure and function (internally defined REVEL score threshold >=0.7, PMID: 27666373). Splice site prediction tools suggest that this variant may not impact RNA splicing. To our knowledge, functional studies have not been performed for this variant. This variant has not been reported in individuals affected with hereditary cancer in the literature. This variant has not been identified in the general population by the Genome Aggregation Database (gnomAD). The available evidence is insufficient to determine the role of this variant in disease conclusively. Therefore, this variant is classified as a Variant of Uncertain Significance.

Labcorp Genetics (formerly Invitae), Labcorp
Classification: Uncertain significance for Hereditary nonpolyposis colorectal neoplasms. Last evaluated: 2022-09-18. Review status: criteria provided, single submitter. Criteria: Invitae Variant Classification Sherloc (09022015). Collection method: clinical testing. Allele origin: germline.
Comment: This variant is not present in population databases (gnomAD no frequency). This variant has not been reported in the literature in individuals affected with MSH6-related conditions. ClinVar contains an entry for this variant (Variation ID: 823958). Algorithms developed to predict the effect of missense changes on protein structure and function (SIFT, PolyPhen-2, Align-GVGD) all suggest that this variant is likely to be disruptive. In summary, the available evidence is currently insufficient to determine the role of this variant in disease. Therefore, it has been classified as a Variant of Uncertain Significance. This sequence change replaces serine, which is neutral and polar, with arginine, which is basic and polar, at codon 1195 of the MSH6 protein (p.Ser1195Arg).